The following is an entry in ClinVar:

NC_000007.13:g.(117180401_117182069)_(117182163_117188694)del

Gene: CFTR (CF transmembrane conductance regulator; plus strand). Cytogenetic location: 7q31.2.
Variant type: Deletion.
Identifiers: ClinVar variation 2503926 (VCV002503926.1).

ClinVar aggregate classification (germline): Likely pathogenic (1 of 4 stars; one submission).

Conditions:
Cystic fibrosis (CF). Also called: MUCOVISCIDOSIS. Identifiers: Orphanet 586, MedGen C0010674, MONDO:0009061, OMIM 219700. Disease mechanism: loss of function.

Submission:

Women's Health and Genetics/Laboratory Corporation of America, LabCorp
Classification: Likely pathogenic for Cystic fibrosis. Last evaluated: 2023-04-21. Review status: criteria provided, single submitter. Criteria: LabCorp Variant Classification Summary - May 2015. Collection method: clinical testing. Allele origin: germline.
Comment: Variant summary: The variant identified by MLPA or other technology involves the deletion of exon 9 in the CFTR gene, removing 31 amino acids and part of the Cystic fibrosis transmembrane conductance regulator, ATP-binding cassette domain 1 (IPR047082). A presumed nomenclature of c.(1116+1_1117-1)_(1209+1_1210-1)del has been designated for the purposes of this classification. Although exact breakpoints of this deletion are not known, it is expected to result in a large in-frame deletion change in the CFTR gene. The variant was absent in 21694 control chromosomes. c.(1116+1_1117-1)_(1209+1_1210-1)del has been reported in the literature in an individual affected with Cystic Fibrosis who was compound heterozygous with a pathogenic variant (Alibakhshi_2008). These data suggest the variant may be associated with disease. To our knowledge, no experimental evidence demonstrating an impact on protein function has been reported. No submitters have provided clinical-significance assessments for this variant to ClinVar after 2014. Based on the evidence outlined above, the variant was classified as likely pathogenic.

Literature cited by the submitters: PubMed 17662673.